The following is an entry in ClinVar:

ClinVar aggregate classification (germline): Conflicting classifications of pathogenicity. Review status: criteria provided, conflicting classifications (1 of 4 stars). 13 submissions from 13 submitters: Uncertain significance (6); Likely benign (6). 1 of the submissions does not count toward it. Last evaluated 2026-01-25.

Conditions:
IGHMBP2-related disorder. Also called: IGHMBP2-related condition; IGHMBP2-related disorders.
Inborn genetic diseases. Identifiers: MedGen C0950123, MeSH D030342.
Charcot-Marie-Tooth disease axonal type 2S. Also called: CHARCOT-MARIE-TOOTH NEUROPATHY, TYPE 2S; CHARCOT-MARIE-TOOTH DISEASE, AXONAL, AUTOSOMAL RECESSIVE, TYPE 2S. Identifiers: Orphanet 443073, MedGen C4015349, MONDO:0014511, OMIM 616155.
Autosomal recessive distal spinal muscular atrophy 1. Also called: SEVERE INFANTILE AXONAL NEUROPATHY WITH RESPIRATORY FAILURE; SPINAL MUSCULAR ATROPHY, DIAPHRAGMATIC; Spinal muscular atrophy with respiratory distress 1; NEURONOPATHY, SEVERE INFANTILE AXONAL, WITH RESPIRATORY FAILURE; NEURONOPATHY, DISTAL HEREDITARY MOTOR, HARDING TYPE VI; NEUROPATHY, DISTAL HEREDITARY MOTOR, AUTOSOMAL RECESSIVE 1. Identifiers: Orphanet 98920, MedGen C1858517, MONDO:0011436, OMIM 604320.
Charcot-Marie-Tooth disease. Also called: Charcot-Marie-Tooth Neuropathy; Charcot-Marie-Tooth Hereditary Neuropathy. Identifiers: Orphanet 166, MedGen C0007959, MONDO:0015626.

Allele frequency attached by ClinVar (database versions not stated): 1000 Genomes Project 30x 0.00031; 1000 Genomes Project 0.00040; ESP Exome Variant Server 0.00131; gnomAD 0.00142 and 0.00144; TOPMed 0.00148.
gnomAD v4.1: 3,055 of 1,612,916 alleles (0.19%); highest among the groups gnomAD compares: Non-Finnish European, 0.24%; 5 homozygotes.

Submissions (13):

Labcorp Genetics (formerly Invitae), Labcorp
Classification: Likely benign for Autosomal recessive distal spinal muscular atrophy 1; Charcot-Marie-Tooth disease axonal type 2S. Last evaluated: 2026-01-25. Review status: criteria provided, single submitter. Criteria: Invitae Variant Classification Sherloc (09022015). Collection method: clinical testing. Allele origin: germline.

CeGaT Center for Human Genetics Tuebingen
Classification: Likely benign. Last evaluated: 2026-01-01. Review status: criteria provided, single submitter. Criteria: CeGaT Center For Human Genetics Tuebingen Variant Classification Criteria Version 2. Collection method: clinical testing. Allele origin: germline. Affected: yes. Observed: 3 variant alleles.
Comment: IGHMBP2: BS1

Ambry Genetics
Classification: Uncertain significance for Inborn genetic diseases. Last evaluated: 2025-11-26. Review status: criteria provided, single submitter. Criteria: Ambry Variant Classification Scheme 2023. Collection method: clinical testing. Allele origin: germline.

Mayo Clinic Laboratories, Mayo Clinic
Classification: Likely benign. Last evaluated: 2025-04-02. Review status: criteria provided, single submitter. Criteria: ACMG Guidelines, 2015. Collection method: clinical testing. Allele origin: germline. Observed: 4 variant alleles.
Comment: BS1, BS2

Women's Health and Genetics/Laboratory Corporation of America, LabCorp
Classification: Likely benign. Last evaluated: 2025-03-10. Review status: criteria provided, single submitter. Criteria: LabCorp Variant Classification Summary - May 2015. Collection method: clinical testing. Allele origin: germline.
Comment: Variant summary: IGHMBP2 c.2922T>G (p.Asp974Glu) results in a conservative amino acid change in the encoded protein sequence. Three of five in-silico tools predict a damaging effect of the variant on protein function. The variant allele was found at a frequency of 0.0019 in 1612916 control chromosomes, predominantly at a frequency of 0.0024 within the Non-Finnish European subpopulation in the gnomAD database, including 5 homozygotes. The observed variant frequency within Non-Finnish European control individuals in the gnomAD database is approximately 2.2-fold of the estimated maximal expected allele frequency for a pathogenic variant in IGHMBP2 causing Charcot-Marie-Tooth disease axonal type 2S phenotype (0.0011). c.2922T>G has been reported in the literature in at least an individual affected with IGHMBP2-related conditions (Grohmann_2003) . These report(s) do not provide unequivocal conclusions about association of the variant with Charcot-Marie-Tooth disease axonal type 2S. To our knowledge, no experimental evidence demonstrating an impact on protein function has been reported. The following publication have been ascertained in the context of this evaluation (PMID: 14681881). ClinVar contains an entry for this variant (Variation ID: 194494). Based on the evidence outlined above, the variant was classified as likely benign.

PreventionGenetics, part of Exact Sciences
Classification: Likely benign for IGHMBP2-related condition. Last evaluated: 2025-02-05. Review status: criteria provided, single submitter. Criteria: ACMG Guidelines, 2015. Collection method: clinical testing. Allele origin: germline.
Comment: This variant is classified as likely benign based on ACMG/AMP sequence variant interpretation guidelines (Richards et al. 2015 PMID: 25741868, with internal and published modifications).

Blueprint Genetics
Classification: Uncertain significance. Last evaluated: 2024-11-11. Review status: criteria provided, single submitter. Criteria: ACMG Guidelines, 2015. Collection method: clinical testing. Allele origin: germline.

ARUP Laboratories, Molecular Genetics and Genomics, ARUP Laboratories
Classification: Uncertain significance. Last evaluated: 2023-10-13. Review status: criteria provided, single submitter. Criteria: ARUP Molecular Germline Variant Investigation Process 2024. Collection method: clinical testing. Allele origin: germline.
Comment: The IGHMBP2 c.2922T>G; p.Asp974Glu variant (rs147674615) is reported in the literature in individuals with respiratory distress and/or sudden death (Grohmann 2003, Salfati 2019, Torkamani 2016), and in large cohorts of individuals with Charcot-Marie-Tooth disease or peripheral neuropathy (Antoniadi 2015, Volodarsky 2021). This variant is also reported in ClinVar (Variation ID: 194494), and is found in the general population with an overall allele frequency of 0.11% (304/278604 alleles, including a single homozygote) in the Genome Aggregation Database. Computational analyses are uncertain whether this variant is neutral or deleterious (REVEL: 0.664). Due to limited information, the clinical significance of this variant is uncertain at this time. References: Antoniadi T et al. Application of targeted multi-gene panel testing for the diagnosis of inherited peripheral neuropathy provides a high diagnostic yield with unexpected phenotype-genotype variability. BMC Med Genet. 2015 Sep 21;16:84. PMID: 26392352. Grohmann et al. Infantile spinal muscular atrophy with respiratory distress type 1 (SMARD1). Ann Neurol. 2003 Dec;54(6):719-24. PMID: 14681881. Salfati EL et al. Re-analysis of whole-exome sequencing data uncovers novel diagnostic variants and improves molecular diagnostic yields for sudden death and idiopathic diseases. Genome Med. 2019 Dec 17;11(1):83. PMID: 31847883. Torkamani A et al. Molecular Autopsy for Sudden Unexpected Death. JAMA. 2016 Oct 11;316(14):1492-1494. PMID: 27727376. Volodarsky M et al. Comprehensive genetic sequence and copy number analysis for Charcot-Marie-Tooth disease in a Canadian cohort of 2517 patients. J Med Genet. 2021 Apr;58(4):284-288. PMID: 32376792.

Athena Diagnostics
Classification: Likely benign. Last evaluated: 2020-04-02. Review status: criteria provided, single submitter. Criteria: Athena Diagnostics criteria. Collection method: clinical testing. Allele origin: unknown.

Baylor Genetics
Classification: Uncertain significance for Charcot-Marie-Tooth disease axonal type 2S. Last evaluated: 2018-07-11. Review status: criteria provided, single submitter. Criteria: ACMG Guidelines, 2015. Collection method: clinical testing. Allele origin: maternal. Affected: yes.
Comment: This variant was determined to be of uncertain significance according to ACMG Guidelines, 2015 [PMID:25741868].

Eurofins Ntd Llc (ga)
Classification: Uncertain significance. Last evaluated: 2014-12-01. Review status: criteria provided, single submitter. Criteria: EGL Classification Definitions 2015. Collection method: clinical testing. Allele origin: germline. Observed: 1 variant allele, 1 heterozygote.

Molecular Genetics Laboratory, London Health Sciences Centre
Classification: Uncertain significance for Charcot-Marie-Tooth disease. Review status: criteria provided, single submitter. Criteria: ACMG Guidelines, 2015. Collection method: clinical testing. Allele origin: germline. Affected: yes.

Department of Pathology and Laboratory Medicine, Sinai Health System
Classification: Likely benign. Review status: no assertion criteria provided. Collection method: clinical testing. Allele origin: unknown. Affected: yes. Study: The Canadian Open Genetics Repository (COGR). Not counted in ClinVar's aggregate classification.
Comment: The IGHMBP2 p.Asp974Glu variant was identified 1 of 58 proband chromosomes (frequency: 0.017) from an infant with distal spinal muscular atrophy with respiratory distress type 1 (SMARD1) who carried another variant of uncertain significance in the IGHMBP2 gene (Grohmann_2003_PMID: 14681881). The variant was identified in dbSNP (ID: rs147674615) and ClinVar (classified as uncertain significance by Athena diagnostics, ARUP laboratories, EGL Diagnostics, and Illuminal, and as likely benign by Invitae). The variant was identified in control databases in 304 of 278604 chromosomes (1 homozygous) at a frequency of 0.001091 increasing the likelihood this could be a low frequency benign variant (Genome Aggregation Database March 6, 2019, v2.1.1). The variant was observed in the following populations: European (non-Finnish) in 239 of 126884 chromosomes (freq: 0.001884), Other in 12 of 7070 chromosomes (freq: 0.001697), African in 21 of 24426 chromosomes (freq: 0.00086), Latino in 28 of 35132 chromosomes (freq: 0.000797), European (Finnish) in 3 of 24636 chromosomes (freq: 0.000122) and South Asian in 1 of 30452 chromosomes (freq: 0.000033), but was not observed in the Ashkenazi Jewish or East Asian populations. The p.Asp974 residue is conserved in mammals and computational analyses (PolyPhen-2, SIFT, AlignGVGD, BLOSUM, MutationTaster) provide inconsistent predictions regarding the impact to the protein; this information is not very predictive of pathogenicity. The variant occurs outside of the splicing consensus sequence and in silico or computational prediction software programs (SpliceSiteFinder, MaxEntScan, NNSPLICE, GeneSplicer) do not predict a difference in splicing. In summary, based on the above information the clinical significance of this variant cannot be determined with certainty at this time although we would lean towards a more benign role for this variant. This variant is classified as likely benign.

Literature cited by the submitters: PubMed 14681881 (cited by 4 submitters); PubMed 26392352 (cited by Ambry Genetics); PubMed 27727376 (cited by Ambry Genetics and Mayo Clinic Laboratories, Mayo Clinic); PubMed 15248100 (cited by Mayo Clinic Laboratories, Mayo Clinic); PubMed 31847883 (cited by Mayo Clinic Laboratories, Mayo Clinic); PubMed 32376792 (cited by Mayo Clinic Laboratories, Mayo Clinic).

NM_002180.3(IGHMBP2):c.2922T>G (p.Asp974Glu)

Gene: IGHMBP2 (immunoglobulin mu DNA binding protein 2; plus strand). Cytogenetic location: 11q13.3.
Variant type: single nucleotide variant.
Coding change: c.2922T>G on transcript NM_002180.3 (MANE Select); coding-DNA position 2922, T replaced by G.
Protein change: p.Asp974Glu; replaces aspartic acid 974 with glutamic acid.
Molecular consequence: missense variant.
Genome position (GRCh38, 1-based): chr11:68,939,671, T>G. VCF-style: chr11-68939671-T-G. GRCh37 (hg19) VCF-style: chr11-68707139-T-G.
Other names: short protein forms D974E.
Identifiers: ClinVar variation 194494 (VCV000194494.53), dbSNP rs147674615, ClinGen allele CA240497.
Genomic context (GRCh38, chr11:68,939,671, plus strand): 5'-CGGGACCAAGAACGGATCCCTGGACCCAGCCAAGAGGGCCCAGCTGCAGAGGAGGCTGGA[T>G]AAGAAGCTGAGTGAGCTCAGCAACCAGAGGACCAGCCGGAGGAAGGAGAGGGGGACGTGA-3'
Protein context (NP_002171.2, residues 964-984): AKRAQLQRRL[Asp974Glu]KKLSELSNQR